The following is an entry in ClinVar:

NM_001080467.3(MYO5B):c.339T>C (p.Tyr113=)

Gene: MYO5B (myosin VB; minus strand). Cytogenetic location: 18q21.1.
Variant type: single nucleotide variant.
Coding change: c.339T>C on transcript NM_001080467.3 (MANE Select); coding-DNA position 339, T replaced by C.
Protein change: p.Tyr113=; no amino-acid change (tyrosine 113 retained).
Molecular consequence: synonymous variant.
Genome position (GRCh38, 1-based): chr18:50,036,966, A>G on the plus strand (T>C on the coding strand, the complement: MYO5B is on the minus strand). VCF-style: chr18-50036966-A-G. GRCh37 (hg19) VCF-style: chr18-47563336-A-G.
Other names: c.339T>C (NM_001080467.2).
Identifiers: ClinVar variation 1547595 (VCV001547595.9), dbSNP rs376716842, ClinGen allele CA8961903.

ClinVar aggregate classification (germline): Likely benign. Review status: criteria provided, single submitter (1 of 4 stars). 2 submissions from 2 submitters: Likely benign (1). 1 of the submissions does not count toward it. Last evaluated 2025-09-08.

Conditions:
MYO5B-related disorder. Also called: MYO5B-related condition.

Allele frequency attached by ClinVar (database versions not stated): gnomAD 0.00021; TOPMed 0.00028; 1000 Genomes Project 0.00040; 1000 Genomes Project 30x 0.00047; gnomAD exomes 0.00003 and 0.00010; ESP Exome Variant Server 0.00008; ExAC 0.00012.
gnomAD v4.1: 73 of 1,614,206 alleles (0.0045%); highest among the groups gnomAD compares: African/African-American, 0.073%; no homozygotes.

Submissions (2):

Labcorp Genetics (formerly Invitae), Labcorp
Classification: Likely benign. Last evaluated: 2025-09-08. Review status: criteria provided, single submitter. Criteria: Invitae Variant Classification Sherloc (09022015). Collection method: clinical testing. Allele origin: germline.

PreventionGenetics, part of Exact Sciences
Classification: Likely benign for MYO5B-related condition. Last evaluated: 2024-09-03. Review status: no assertion criteria provided. Collection method: clinical testing. Allele origin: germline. Not counted in ClinVar's aggregate classification.
Comment: This variant is classified as likely benign based on ACMG/AMP sequence variant interpretation guidelines (Richards et al. 2015 PMID: 25741868, with internal and published modifications).